The following is an entry in ClinVar:

ClinVar aggregate classification (germline): Benign (0 of 4 stars; one submission).

Conditions:
MYOM2-related disorder. Also called: MYOM2-related condition.

Allele frequency attached by ClinVar (database versions not stated): ESP Exome Variant Server 0.00554; 1000 Genomes Project 0.00679; 1000 Genomes Project 30x 0.00703.
gnomAD v4.1: 1,476 of 1,612,422 alleles (0.092%); highest among the groups gnomAD compares: African/African-American, 1.7%; 12 homozygotes.

Submission:

PreventionGenetics, part of Exact Sciences
Classification: Benign for MYOM2-related condition. Last evaluated: 2019-03-06. Review status: no assertion criteria provided. Collection method: clinical testing. Allele origin: germline.
Comment: This variant is classified as benign based on ACMG/AMP sequence variant interpretation guidelines (Richards et al. 2015 PMID: 25741868, with internal and published modifications).

NM_003970.4(MYOM2):c.2916G>T (p.Pro972=)

Genes: MYOM2 (myomesin 2; plus strand), LOC126860282 (BRD4-independent group 4 enhancer GRCh37_chr8:2053383-2054582; plus strand). Cytogenetic location: 8p23.3.
Variant type: single nucleotide variant.
Coding change: c.2916G>T on transcript NM_003970.4 (MANE Select); coding-DNA position 2916, G replaced by T.
Protein change: p.Pro972=; no amino-acid change (proline 972 retained).
Molecular consequence: synonymous variant.
Genome position (GRCh38, 1-based): chr8:2,106,515, G>T. VCF-style: chr8-2106515-G-T. GRCh37 (hg19) VCF-style: chr8-2054305-G-T.
Identifiers: ClinVar variation 3038408 (VCV003038408.2), dbSNP rs35141790, ClinGen allele CA170459396.